The following is an entry in ClinVar:

NM_004260.4(RECQL4):c.2201G>T (p.Gly734Val)

Gene: RECQL4 (RecQ like helicase 4; minus strand). Cytogenetic location: 8q24.3.
Variant type: single nucleotide variant.
Coding change: c.2201G>T on transcript NM_004260.4 (MANE Select); coding-DNA position 2201, G replaced by T.
Protein change: p.Gly734Val; replaces glycine 734 with valine.
Molecular consequence: missense variant. On other transcripts: non-coding transcript variant (3).
Genome position (GRCh38, 1-based): chr8:144,513,480, C>A on the plus strand (G>T on the coding strand, the complement: RECQL4 is on the minus strand). VCF-style: chr8-144513480-C-A. GRCh37 (hg19) VCF-style: chr8-145738864-C-A.
Other names: c.2069G>T, p.Gly690Val (NM_001413033.1); c.1130G>T, p.Gly377Val (NM_001413034.1, NM_001413035.1, NM_001413038.1 and 6 more transcripts); c.2201G>T, p.Gly734Val (NM_001413036.1, NM_001413018.1, NM_001413019.1); c.998G>T, p.Gly333Val (NM_001413037.1); c.2171G>T, p.Gly724Val (NM_001413039.1); c.1064G>T, p.Gly355Val (NM_001413041.1, NM_001413032.1, NM_001413027.1 and 1 more transcripts); c.1100G>T, p.Gly367Val (NM_001413042.1); c.932G>T, p.Gly311Val (NM_001413031.1); and 4 more; short protein forms G245V, G355V, G367V, G690V, G702V, G734V, G311V, G377V.
Identifiers: ClinVar variation 4152361 (VCV004152361.1).

ClinVar aggregate classification (germline): Uncertain significance (1 of 4 stars; one submission).

Conditions:
Inborn genetic diseases. Identifiers: MedGen C0950123, MeSH D030342.

gnomAD v4.1: 2 of 1,609,896 alleles (0.00012%); highest among the groups gnomAD compares: African/African-American, 0.0013%; no homozygotes.

Submission:

Ambry Genetics
Classification: Uncertain significance for Inborn genetic diseases. Last evaluated: 2025-07-01. Review status: criteria provided, single submitter. Criteria: Ambry Variant Classification Scheme 2023. Collection method: clinical testing. Allele origin: germline.
Comment: The p.G734V variant (also known as c.2201G>T) is located in coding exon 14 of the RECQL4 gene. The glycine at codon 734 is replaced by valine, an amino acid with dissimilar properties. This change occurs in the first base pair of coding exon 14. This amino acid position is conserved. In addition, this alteration is predicted to be tolerated by in silico analysis. Based on the available evidence, the clinical significance of this variant remains unclear.